The following is an entry in ClinVar:

ClinVar aggregate classification (germline): Benign. Review status: criteria provided, single submitter (1 of 4 stars). 2 submissions from 2 submitters: Benign (1). 1 of the submissions does not count toward it. Last evaluated 2019-12-31.

Conditions:
ECEL1-related disorder. Also called: ECEL1-related condition.

Allele frequency attached by ClinVar (database versions not stated): ESP Exome Variant Server 0.00024; TOPMed 0.00057; 1000 Genomes Project 30x 0.00078; 1000 Genomes Project 0.00080; gnomAD 0.00208 and 0.00220; gnomAD exomes 0.00224; ExAC 0.00328.
gnomAD v4.1: 2,501 of 1,578,876 alleles (0.16%); highest among the groups gnomAD compares: Non-Finnish European, 0.13%; 10 homozygotes.

Submissions (2):

Labcorp Genetics (formerly Invitae), Labcorp
Classification: Benign. Last evaluated: 2019-12-31. Review status: criteria provided, single submitter. Criteria: Invitae Variant Classification Sherloc (09022015). Collection method: clinical testing. Allele origin: germline.

PreventionGenetics, part of Exact Sciences
Classification: Benign for ECEL1-related condition. Last evaluated: 2021-08-19. Review status: no assertion criteria provided. Collection method: clinical testing. Allele origin: germline. Not counted in ClinVar's aggregate classification.
Comment: This variant is classified as benign based on ACMG/AMP sequence variant interpretation guidelines (Richards et al. 2015 PMID: 25741868, with internal and published modifications).

NM_004826.4(ECEL1):c.720C>A (p.Ser240Arg)

Gene: ECEL1 (endothelin converting enzyme like 1; minus strand). Cytogenetic location: 2q37.1.
Variant type: single nucleotide variant.
Coding change: c.720C>A on transcript NM_004826.4 (MANE Select); coding-DNA position 720, C replaced by A.
Protein change: p.Ser240Arg; replaces serine 240 with arginine.
Molecular consequence: missense variant.
Genome position (GRCh38, 1-based): chr2:232,485,934, G>T on the plus strand (C>A on the coding strand, the complement: ECEL1 is on the minus strand). VCF-style: chr2-232485934-G-T. GRCh37 (hg19) VCF-style: chr2-233350644-G-T.
Other names: c.720C>A, p.Ser240Arg (NM_001290787.2); short protein forms S240R.
Identifiers: ClinVar variation 731475 (VCV000731475.6), dbSNP rs191821453, ClinGen allele CA2167542.